The following is an entry in ClinVar:

ClinVar aggregate classification (germline): Pathogenic/Likely pathogenic. Review status: criteria provided, multiple submitters, no conflicts (2 of 4 stars). 2 submissions from 2 submitters: Pathogenic (1); Likely pathogenic (1). Last evaluated 2024-05-14.

Conditions:
Retinitis pigmentosa 12 (RP12). Also called: RP WITH OR WITHOUT PRESERVED PARAARTERIOLE RETINAL PIGMENT EPITHELIUM; RETINITIS PIGMENTOSA WITH OR WITHOUT PARAARTERIOLAR PRESERVATION OF RETINAL PIGMENT EPITHELIUM; RP WITH OR WITHOUT PPRPE. Identifiers: Orphanet 791, MedGen C1838647, MONDO:0010818, OMIM 600105.
Leber congenital amaurosis 8 (LCA8). Identifiers: Orphanet 65, MedGen C3151202, MONDO:0013453, OMIM 613835.
Pigmented paravenous retinochoroidal atrophy. Identifiers: Orphanet 251295, MedGen C1868310, MONDO:0008246, OMIM 172870.

Submissions (2):

Fulgent Genetics
Classification: Likely pathogenic for Pigmented paravenous retinochoroidal atrophy; Retinitis pigmentosa 12; Leber congenital amaurosis 8. Last evaluated: 2024-05-14. Review status: criteria provided, single submitter. Criteria: ACMG Guidelines, 2015. Collection method: clinical testing. Allele origin: germline.

Labcorp Genetics (formerly Invitae), Labcorp
Classification: Pathogenic for Leber congenital amaurosis 8; Retinitis pigmentosa 12. Last evaluated: 2023-04-03. Review status: criteria provided, single submitter. Criteria: Invitae Variant Classification Sherloc (09022015). Collection method: clinical testing. Allele origin: germline.
Comment: Algorithms developed to predict the effect of sequence changes on RNA splicing suggest that this variant may disrupt the consensus splice site. For these reasons, this variant has been classified as Pathogenic. This sequence change affects an acceptor splice site in intron 6 of the CRB1 gene. It is expected to disrupt RNA splicing. Variants that disrupt the donor or acceptor splice site typically lead to a loss of protein function (PMID: 16199547), and loss-of-function variants in CRB1 are known to be pathogenic (PMID: 10508521, 22065545, 23379534, 25412400, 26957898, 28041643, 29391521). This variant is not present in population databases (gnomAD no frequency). Disruption of this splice site has been observed in individuals with clinical features of CRB1-related conditions (PMID: 31106028, 33342761).

Literature cited by the submitters: PubMed 16199547 (cited by Labcorp Genetics (formerly Invitae), Labcorp); PubMed 10508521 (cited by Labcorp Genetics (formerly Invitae), Labcorp); PubMed 22065545 (cited by Labcorp Genetics (formerly Invitae), Labcorp); PubMed 23379534 (cited by Labcorp Genetics (formerly Invitae), Labcorp); PubMed 25412400 (cited by Labcorp Genetics (formerly Invitae), Labcorp); PubMed 26957898 (cited by Labcorp Genetics (formerly Invitae), Labcorp); PubMed 28041643 (cited by Labcorp Genetics (formerly Invitae), Labcorp); PubMed 29391521 (cited by Labcorp Genetics (formerly Invitae), Labcorp); PubMed 31106028 (cited by Labcorp Genetics (formerly Invitae), Labcorp); PubMed 33342761 (cited by Labcorp Genetics (formerly Invitae), Labcorp).

NM_201253.3(CRB1):c.2129-1G>A

Gene: CRB1 (crumbs cell polarity complex component 1; plus strand). Cytogenetic location: 1q31.3.
Variant type: single nucleotide variant.
Coding change: c.2129-1G>A on transcript NM_201253.3 (MANE Select); the canonical splice acceptor site of the intron before coding-DNA position 2129, G replaced by A.
Molecular consequence: splice acceptor variant. On other transcripts: intron variant (1).
Genome position (GRCh38, 1-based): chr1:197,427,453, G>A. VCF-style: chr1-197427453-G-A. GRCh37 (hg19) VCF-style: chr1-197396583-G-A.
Other names: c.1922-1G>A (NM_001257965.2); c.2128+5497G>A (NM_001257966.2); c.1793-1G>A (NM_001193640.2).
Identifiers: ClinVar variation 2932631 (VCV002932631.4), dbSNP rs1664642051, ClinGen allele CA344036264.